The following is an entry in ClinVar:

NM_001267550.2(TTN):c.83056G>A (p.Val27686Ile)

Genes: TTN (titin; minus strand), TTN-AS1 (TTN antisense RNA 1; plus strand). Cytogenetic location: 2q31.2.
Variant type: single nucleotide variant.
Coding change: c.83056G>A on transcript NM_001267550.2 (MANE Select); coding-DNA position 83056, G replaced by A.
Protein change: p.Val27686Ile; replaces valine 27686 with isoleucine.
Molecular consequence: missense variant.
Genome position (GRCh38, 1-based): chr2:178,563,076, C>T on the plus strand (G>A on the coding strand, the complement: TTN is on the minus strand). VCF-style: chr2-178563076-C-T. GRCh37 (hg19) VCF-style: chr2-179427803-C-T.
Other names: p.V26045I:GTT>ATT; c.78133G>A, p.Val26045Ile (NM_001256850.1); c.55861G>A, p.Val18621Ile (NM_003319.4); c.75352G>A, p.Val25118Ile (NM_133378.4); c.56236G>A, p.Val18746Ile (NM_133432.3); c.56437G>A, p.Val18813Ile (NM_133437.4); short protein forms V27686I, V25118I, V26045I, V18621I, V18746I, V18813I.
Identifiers: ClinVar variation 47419 (VCV000047419.55), dbSNP rs56309296, ClinGen allele CA283919.

ClinVar aggregate classification (germline): Benign/Likely benign. Review status: criteria provided, multiple submitters, no conflicts (2 of 4 stars). 29 submissions from 22 submitters: Benign (20); Likely benign (3). 6 of the submissions do not count toward it. Last evaluated 2026-02-03.

Conditions:
Dilated cardiomyopathy 1G (CMD1G). Identifiers: Orphanet 154, MedGen C1858763, MONDO:0011400, OMIM 604145.
Autosomal recessive limb-girdle muscular dystrophy type 2J (LGMDR10). Also called: MUSCULAR DYSTROPHY, LIMB-GIRDLE, AUTOSOMAL RECESSIVE 10; Limb-girdle muscular dystrophy, type 2J. Identifiers: Orphanet 140922, MedGen C1837342, MONDO:0012127, OMIM 608807.
Cardiovascular phenotype. Identifiers: MedGen CN230736.
Cardiomyopathy (CMYO). Also called: Cardiomyopathies. Identifiers: Orphanet 167848, MedGen C0878544, MONDO:0004994, HP:0001638. Inheritance: Various modes of inheritance.
Early-onset myopathy with fatal cardiomyopathy (CMYO5). Also called: CONGENITAL MYOPATHY 5 WITH CARDIOMYOPATHY; Salih Myopathy. Identifiers: Orphanet 289377, MedGen C2673677, MONDO:0012714, OMIM 611705. Disease mechanism: loss of function.
Myopathy, myofibrillar, 9, with early respiratory failure (MFM9). Also called: Myopathy, distal, with early respiratory failure, autosomal dominant; Hereditary myopathy with early respiratory failure; MYOPATHY, PROXIMAL, WITH EARLY RESPIRATORY MUSCLE INVOLVEMENT; EDSTROM MYOPATHY. Identifiers: Orphanet 178464, Orphanet 34521, MedGen C1863599, MONDO:0011362, OMIM 603689.
Tibial muscular dystrophy (TMD). Also called: Udd Distal Myopathy – Tibial Muscular Dystrophy; Tibial muscular dystrophy, tardive; UDD MYOPATHY. Identifiers: Orphanet 609, MedGen C1838244, MONDO:0010870, OMIM 600334.

Allele frequency attached by ClinVar (database versions not stated): gnomAD exomes 0.00178 and 0.00459; 1000 Genomes Project 0.01617; gnomAD 0.01826 and 0.01985; ESP Exome Variant Server 0.02083; ExAC 0.00549; 1000 Genomes Project 30x 0.01640; TOPMed 0.02123.
gnomAD v4.1: 5,514 of 1,613,684 alleles (0.34%); highest among the groups gnomAD compares: African/African-American, 6.5%; 179 homozygotes.

Submissions (29):

Labcorp Genetics (formerly Invitae), Labcorp
Classification: Benign for Dilated cardiomyopathy 1G; Autosomal recessive limb-girdle muscular dystrophy type 2J. Last evaluated: 2026-02-03. Review status: criteria provided, single submitter. Criteria: Invitae Variant Classification Sherloc (09022015). Collection method: clinical testing. Allele origin: germline.

ARUP Laboratories, Molecular Genetics and Genomics, ARUP Laboratories
Classification: Benign. Last evaluated: 2025-05-14. Review status: criteria provided, single submitter. Criteria: ARUP Molecular Germline Variant Investigation Process 2024. Collection method: clinical testing. Allele origin: germline.

Molecular Diagnostic Laboratory for Inherited Cardiovascular Disease, Montreal Heart Institute
Classification: Benign. Last evaluated: 2025-04-09. Review status: criteria provided, single submitter. Criteria: ACMG Guidelines, 2015. Collection method: clinical testing. Allele origin: germline. Affected: no.

Athena Diagnostics
Classification: Benign. Last evaluated: 2025-03-13. Review status: criteria provided, single submitter. Criteria: Athena Diagnostics Criteria. Collection method: clinical testing. Allele origin: unknown.
Comment: The frequency of this variant in the general population is higher than would generally be expected for pathogenic variants in this gene.

Genome-Nilou Lab
Classification: Benign for Autosomal recessive limb-girdle muscular dystrophy type 2J. Last evaluated: 2021-09-10. Review status: criteria provided, single submitter. Criteria: ACMG Guidelines, 2015. Collection method: clinical testing. Allele origin: germline. Affected: no.

Genome-Nilou Lab
Classification: Benign for Myopathy, myofibrillar, 9, with early respiratory failure. Last evaluated: 2021-09-10. Review status: criteria provided, single submitter. Criteria: ACMG Guidelines, 2015. Collection method: clinical testing. Allele origin: germline. Affected: no.

Genome-Nilou Lab
Classification: Benign for Early-onset myopathy with fatal cardiomyopathy. Last evaluated: 2021-09-10. Review status: criteria provided, single submitter. Criteria: ACMG Guidelines, 2015. Collection method: clinical testing. Allele origin: germline. Affected: no.

Genome-Nilou Lab
Classification: Benign for Tibial muscular dystrophy. Last evaluated: 2021-09-10. Review status: criteria provided, single submitter. Criteria: ACMG Guidelines, 2015. Collection method: clinical testing. Allele origin: germline. Affected: no.

Women's Health and Genetics/Laboratory Corporation of America, LabCorp
Classification: Likely benign. Last evaluated: 2020-04-12. Review status: criteria provided, single submitter. Criteria: LabCorp Variant Classification Summary - May 2015. Collection method: clinical testing. Allele origin: germline.

Mayo Clinic Laboratories, Mayo Clinic
Classification: Benign. Last evaluated: 2019-03-06. Review status: criteria provided, single submitter. Criteria: ACMG Guidelines, 2015. Collection method: clinical testing. Allele origin: germline. Observed: 38 variant alleles.

Illumina Laboratory Services, Illumina
Classification: Benign for Autosomal recessive limb-girdle muscular dystrophy type 2J. Last evaluated: 2018-01-13. Review status: criteria provided, single submitter. Criteria: ICSL Variant Classification Criteria 13 December 2019. Collection method: clinical testing. Allele origin: germline.
Comment: This variant was observed in the ICSL laboratory as part of a predisposition screen in an ostensibly healthy population. It had not been previously curated by ICSL or reported in the Human Gene Mutation Database (HGMD: prior to June 1st, 2018), and was therefore a candidate for classification through an automated scoring system. Utilizing variant allele frequency, disease prevalence and penetrance estimates, and inheritance mode, an automated score was calculated to assess if this variant is too frequent to cause the disease. Based on the score and internal cut-off values, a variant classified as benign is not then subjected to further curation. The score for this variant resulted in a classification of benign for this disease.

Illumina Laboratory Services, Illumina
Classification: Benign for Myopathy, myofibrillar, 9, with early respiratory failure. Last evaluated: 2018-01-13. Review status: criteria provided, single submitter. Criteria: ICSL Variant Classification Criteria 13 December 2019. Collection method: clinical testing. Allele origin: germline.
Comment: the same text as in the submission from Illumina Laboratory Services, Illumina above.

Illumina Laboratory Services, Illumina
Classification: Likely benign for Dilated cardiomyopathy 1G. Last evaluated: 2018-01-13. Review status: criteria provided, single submitter. Criteria: ICSL Variant Classification Criteria 13 December 2019. Collection method: clinical testing. Allele origin: germline.
Comment: This variant was observed in the ICSL laboratory as part of a predisposition screen in an ostensibly healthy population. It had not been previously curated by ICSL or reported in the Human Gene Mutation Database (HGMD: prior to June 1st, 2018), and was therefore a candidate for classification through an automated scoring system. Utilizing variant allele frequency, disease prevalence and penetrance estimates, and inheritance mode, an automated score was calculated to assess if this variant is too frequent to cause the disease. Based on the score and internal cut-off values, a variant classified as likely benign is not then subjected to further curation. The score for this variant resulted in a classification of likely benign for this disease.

Illumina Laboratory Services, Illumina
Classification: Benign for Tibial muscular dystrophy. Last evaluated: 2018-01-13. Review status: criteria provided, single submitter. Criteria: ICSL Variant Classification Criteria 13 December 2019. Collection method: clinical testing. Allele origin: germline.
Comment: the same text as in the submission from Illumina Laboratory Services, Illumina above.

Illumina Laboratory Services, Illumina
Classification: Benign for Early-onset myopathy with fatal cardiomyopathy. Last evaluated: 2018-01-13. Review status: criteria provided, single submitter. Criteria: ICSL Variant Classification Criteria 13 December 2019. Collection method: clinical testing. Allele origin: germline.
Comment: the same text as in the submission from Illumina Laboratory Services, Illumina above.

CHEO Genetics Diagnostic Laboratory, Children's Hospital of Eastern Ontario
Classification: Benign for Cardiomyopathy. Last evaluated: 2016-03-08. Review status: criteria provided, single submitter. Criteria: ACMG Guidelines, 2015. Collection method: clinical testing. Allele origin: germline. Study: Canadian Open Genetics Repository.

GeneDx
Classification: Benign. Last evaluated: 2014-04-29. Review status: criteria provided, single submitter. Criteria: GeneDx Variant Classification (06012015). Collection method: clinical testing. Allele origin: germline. Affected: yes.
Comment: This variant is considered likely benign or benign based on one or more of the following criteria: it is a conservative change, it occurs at a poorly conserved position in the protein, it is predicted to be benign by multiple in silico algorithms, and/or has population frequency not consistent with disease.

Eurofins Ntd Llc (ga)
Classification: Benign. Last evaluated: 2013-07-26. Review status: criteria provided, single submitter. Criteria: EGL Classification Definitions 2015. Collection method: clinical testing. Allele origin: germline. Observed: 1 variant allele, 1 heterozygote.

Biesecker Lab/Clinical Genomics Section, National Institutes of Health
Classification: Benign. Last evaluated: 2013-06-24. Review status: criteria provided, single submitter. Criteria: Ng et al. (Circ Cardiovasc Genet. 2013). Collection method: research. Allele origin: unknown. Observed: 4 variant alleles. Study: ClinSeq.
Comment: The study set was not selected for affection status in relation to any cancer. Pathogenicity categories were based on literature curation. See Pubmed ID:23861362 for details.

Medical sequencing

Ambry Genetics
Classification: Benign for Cardiovascular phenotype. Last evaluated: 2013-02-26. Review status: criteria provided, single submitter. Criteria: Ambry Autosomal Dominant and X-Linked criteria (10/2015). Collection method: clinical testing. Allele origin: germline. Observed: 1 variant allele.

Laboratory for Molecular Medicine, Mass General Brigham Personalized Medicine
Classification: Benign. Last evaluated: 2012-04-25. Review status: criteria provided, single submitter. Criteria: LMM Criteria. Collection method: clinical testing. Allele origin: germline. Observed: 30 variant alleles.

Breakthrough Genomics
Classification: Likely benign. Review status: criteria provided, single submitter. Criteria: ACMG Guidelines, 2015. Collection method: not provided. Allele origin: germline. Inheritance: Autosomal recessive inheritance. Affected: yes.

PreventionGenetics, part of Exact Sciences
Classification: Benign. Review status: criteria provided, single submitter. Criteria: ACMG Guidelines, 2015. Collection method: clinical testing. Allele origin: germline.

Clinical Genetics DNA and cytogenetics Diagnostics Lab, Erasmus MC, Erasmus Medical Center
Classification: Benign. Review status: no assertion criteria provided. Collection method: clinical testing. Allele origin: germline. Affected: yes. Study: VKGL Data-share Consensus. Not counted in ClinVar's aggregate classification.

Clinical Genetics, Academic Medical Center
Classification: Benign. Review status: no assertion criteria provided. Collection method: clinical testing. Allele origin: germline. Affected: yes. Study: VKGL Data-share Consensus. Not counted in ClinVar's aggregate classification.

Diagnostic Laboratory, Department of Genetics, University Medical Center Groningen
Classification: Likely benign. Review status: no assertion criteria provided. Collection method: clinical testing. Allele origin: germline. Affected: yes. Study: VKGL Data-share Consensus. Not counted in ClinVar's aggregate classification.

Genetic Services Laboratory, University of Chicago
Classification: Likely benign for AllHighlyPenetrant. Review status: no assertion criteria provided. Collection method: clinical testing. Allele origin: germline. Not counted in ClinVar's aggregate classification.
Comment: Likely benign based on allele frequency in 1000 Genomes Project or ESP global frequency and its presence in a patient with a rare or unrelated disease phenotype. NOT Sanger confirmed.

Genome Diagnostics Laboratory, University Medical Center Utrecht
Classification: Benign. Review status: no assertion criteria provided. Collection method: clinical testing. Allele origin: germline. Affected: yes. Study: VKGL Data-share Consensus. Not counted in ClinVar's aggregate classification.

Joint Genome Diagnostic Labs from Nijmegen and Maastricht, Radboudumc and MUMC+
Classification: Benign. Review status: no assertion criteria provided. Collection method: clinical testing. Allele origin: germline. Affected: yes. Study: VKGL Data-share Consensus. Not counted in ClinVar's aggregate classification.